The following is an entry in ClinVar:

NM_007294.4(BRCA1):c.5565_5573del (p.Gln1857_Pro1859del)

Gene: BRCA1 (BRCA1 DNA repair associated; minus strand). Cytogenetic location: 17q21.31.
Variant type: Deletion.
Coding change: c.5565_5573del on transcript NM_007294.4 (MANE Select); coding-DNA positions 5565 to 5573, 9 bases deleted (ACCCCAGAT; older notation c.5565_5573delACCCCAGAT).
Protein change: p.Gln1857_Pro1859del.
Molecular consequence: inframe deletion. On other transcripts: inframe indel (350), 3 prime UTR variant (1), non-coding transcript variant (1).
Genome position (GRCh38, 1-based): chr17:43,045,697-43,045,705, ATCTGGGGT deleted on the plus strand (ACCCCAGAT on the coding strand, the reverse complement: BRCA1 is on the minus strand); deleting any 9 consecutive bases within chr17:43,045,697-43,045,708 gives the same sequence; the c. name uses the placement nearest the transcript's 3' end. VCF-style (leftmost placement, unchanged base first): chr17-43045696-GATCTGGGGT-G. GRCh37 (hg19) VCF-style: chr17-41197713-GATCTGGGGT-G.
Other names: 5684del9; c.5565_5573delACCCCAGAT (NM_007294.3); c.5349_5357delGATACCCCA, p.Gln1786_Pro1788del (NM_001407571.1, NM_001407894.1, NM_001407895.1 and 12 more transcripts); c.5628_5636delGATACCCCA, p.Gln1879_Pro1881del (NM_001407581.1, NM_001407582.1); c.5625_5633delGATACCCCA, p.Gln1878_Pro1880del (NM_001407583.1, NM_001407585.1, NM_001407587.1); c.5622_5630delGATACCCCA, p.Gln1877_Pro1879del (NM_001407590.1, NM_001407591.1); c.5562_5570delGATACCCCA, p.Gln1857_Pro1859del (NM_001407593.1, NM_001407594.1, NM_001407596.1 and 5 more transcripts); c.5559_5567delGATACCCCA, p.Gln1856_Pro1858del (NM_001407610.1, NM_001407611.1, NM_001407612.1 and 14 more transcripts); and 79 more.
Identifiers: ClinVar variation 37682 (VCV000037682.20), dbSNP rs397507253, ClinGen allele CA003720.
Genomic context (GRCh38, chr17:43,045,696, plus strand): 5'-ATTCTTGGGGTCCTGTGGCTCTGTACCTGTGGCTGGCTGCAGTCAGTAGTGGCTGTGGGG[GATCTGGGGT>G]ATCAGGTAGGTGTCCAGCTCCTGGCACTGGTAGAGTGCTACACTGTCCAACACCCACTCT-3'

ClinVar aggregate classification (germline): Conflicting classifications of pathogenicity. Review status: criteria provided, conflicting classifications (1 of 4 stars). 8 submissions from 8 submitters: Uncertain significance (5); Benign (1). 2 of the submissions do not count toward it. Last evaluated 2025-10-27.

Conditions:
Hereditary cancer-predisposing syndrome. Also called: Tumor predisposition; Neoplastic Syndromes, Hereditary; Hereditary Cancer Syndrome; Hereditary neoplastic syndrome. Identifiers: Orphanet 140162, MedGen C0027672, MeSH D009386, MONDO:0015356.
Hereditary breast ovarian cancer syndrome. Also called: Hereditary breast and ovarian cancer syndrome (HBOC); Hereditary breast and ovarian cancer syndrome; Hereditary breast and ovarian cancer; Hereditary breast and/or ovarian cancer syndrome; Breast and ovarian cancer; BRCA1- and BRCA2-Associated Hereditary Breast and Ovarian Cancer. Identifiers: Orphanet 145, MedGen C0677776, MeSH D061325, MONDO:0003582. Disease mechanism: loss of function.
Breast-ovarian cancer, familial, susceptibility to, 1 (BROVCA1). Also called: OVARIAN CANCER, SUSCEPTIBILITY TO; BRCA1 Hereditary Breast and Ovarian Cancer. Identifiers: Orphanet 145, MedGen C2676676, MONDO:0011450, OMIM 604370. Disease mechanism: loss of function.

Submissions (8):

Myriad Genetics, Inc.
Classification: Benign for Breast-ovarian cancer, familial, susceptibility to, 1. Last evaluated: 2025-10-27. Review status: criteria provided, single submitter. Criteria: Myriad Autosomal Dominant, Autosomal Recessive and X-Linked Classification Criteria (2023). Collection method: clinical testing. Allele origin: unknown.
Comment: This variant is considered benign. This variant is strongly associated with less severe personal and family histories of cancer, typical for individuals without pathogenic variants in this gene [PMID: 25085752]. Homozygosity has been confirmed in one or more individuals. As homozygosity for pathogenic variants in this gene is generally assumed to result in embryonic lethality, this variant is unlikely to be pathogenic.

Color Diagnostics, LLC DBA Color Health
Classification: Uncertain significance for Hereditary cancer-predisposing syndrome. Last evaluated: 2025-09-17. Review status: criteria provided, single submitter. Criteria: ACMG Guidelines, 2015. Collection method: clinical testing. Allele origin: germline.
Comment: This variant causes an in-frame deletion of 3 amino acids of the BRCA1 protein, including the last amino acid residue of the BRCT domain, glutamine 1857. To our knowledge, functional studies have not been reported for this variant. This variant has been reported in an individual affected with triple negative breast cancer (PMID: 34271787). A multifactorial analysis has reached a combined likelihood ratio (LR) of 0.072 based on reported LR for co-occurrence with a pathogenic variant and/or segregation and personal and family history for 2 carriers (PMID: 31853058). This variant has not been identified in the general population by the Genome Aggregation Database (gnomAD). The available evidence is insufficient to determine the role of this variant in disease conclusively. Therefore, this variant is classified as a Variant of Uncertain Significance.

Labcorp Genetics (formerly Invitae), Labcorp
Classification: Uncertain significance for Hereditary breast ovarian cancer syndrome. Last evaluated: 2025-07-14. Review status: criteria provided, single submitter. Criteria: Invitae Variant Classification Sherloc (09022015). Collection method: clinical testing. Allele origin: germline.
Comment: This variant, c.5565_5573del, results in the deletion of 3 amino acid(s) of the BRCA1 protein (p.Gln1857_Pro1859del), but otherwise preserves the integrity of the reading frame. This variant is not present in population databases (gnomAD no frequency). This variant has been observed in individual(s) with breast cancer (PMID: 34271787). ClinVar contains an entry for this variant (Variation ID: 37682). Experimental studies and prediction algorithms are not available or were not evaluated, and the functional significance of this variant is currently unknown. In summary, the available evidence is currently insufficient to determine the role of this variant in disease. Therefore, it has been classified as a Variant of Uncertain Significance.

Ambry Genetics
Classification: Uncertain significance for Hereditary cancer-predisposing syndrome. Last evaluated: 2025-03-17. Review status: criteria provided, single submitter. Criteria: Ambry Variant Classification Scheme 2023. Collection method: clinical testing. Allele origin: germline.
Comment: The c.5565_5573delACCCCAGAT variant (also known as p.Q1857_P1859DEL) is located in coding exon 22 of the BRCA1 gene. This variant results from an in-frame ACCCCAGAT deletion of between nucleotide positions 5565 and 5573. This results in the deletion of 3 residues (QIP) between codons 1857 and 1859. These amino acid positions are not well conserved in available vertebrate species. In addition, the in silico prediction for this alteration is inconclusive (Choi Y et al. PLoS ONE. 2012; 7(10):e46688). Based on the available evidence, the clinical significance of this variant remains unclear.

Baylor Genetics
Classification: Uncertain significance for Breast-ovarian cancer, familial, susceptibility to, 1. Last evaluated: 2023-06-02. Review status: criteria provided, single submitter. Criteria: ACMG Guidelines, 2015. Collection method: clinical testing. Allele origin: unknown.

Women's Health and Genetics/Laboratory Corporation of America, LabCorp
Classification: Uncertain significance. Last evaluated: 2022-01-20. Review status: criteria provided, single submitter. Criteria: LabCorp Variant Classification Summary - May 2015. Collection method: clinical testing. Allele origin: germline.
Comment: Variant summary: BRCA1 c.5565_5573delACCCCAGAT (p.Gln1857_Pro1859del) results in an in-frame deletion that is predicted to remove three amino acids from the encoded protein. The variant was absent in 250832 control chromosomes. The available data on variant occurrences in the general population are insufficient to allow any conclusion about variant significance. c.5565_5573delACCCCAGAT has been reported in the literature in at least one individual affected with Hereditary Breast And Ovarian Cancer Syndrome (Tariq_2021). This report does not provide unequivocal conclusions about association of the variant with Hereditary Breast And Ovarian Cancer Syndrome. To our knowledge, no experimental evidence demonstrating an impact on protein function has been reported. Three clinical diagnostic laboratories have submitted clinical-significance assessments for this variant to ClinVar after 2014 without evidence for independent evaluation. All laboratories classified the variant as uncertain significance. Based on the evidence outlined above, the variant was classified as uncertain significance.

Counsyl
Classification: Uncertain significance for Breast-ovarian cancer, familial, susceptibility to, 1. Last evaluated: 2018-06-07. Review status: no assertion criteria provided. Collection method: clinical testing. Allele origin: unknown. Not counted in ClinVar's aggregate classification.

Sharing Clinical Reports Project (SCRP)
Classification: Uncertain significance for Breast-ovarian cancer, familial 1. Last evaluated: 2012-02-27. Review status: no assertion criteria provided. Collection method: clinical testing. Allele origin: germline. Not counted in ClinVar's aggregate classification.

Literature cited by the submitters: PubMed 25085752 (cited by Myriad Genetics, Inc.); PubMed 31853058 (cited by Color Diagnostics, LLC DBA Color Health); PubMed 34271787 (cited by 3 submitters).